The following is an entry in ClinVar:

ClinVar aggregate classification (germline): Uncertain significance. Review status: criteria provided, multiple submitters, no conflicts (2 of 4 stars). 3 submissions from 3 submitters: Uncertain significance (3). Last evaluated 2025-11-17.

Conditions:
Familial adenomatous polyposis 1 (FAP1). Also called: POLYPOSIS, ADENOMATOUS INTESTINAL; FAMILIAL ADENOMATOUS POLYPOSIS 1, ATTENUATED. Identifiers: MedGen C2713442, MONDO:0021056, OMIM 175100. Disease mechanism: loss of function.
Hereditary cancer-predisposing syndrome. Also called: Hereditary neoplastic syndrome; Neoplastic Syndromes, Hereditary; Hereditary Cancer Syndrome; Tumor predisposition. Identifiers: Orphanet 140162, MedGen C0027672, MeSH D009386, MONDO:0015356.

Submissions (3):

Ambry Genetics
Classification: Uncertain significance for Hereditary cancer-predisposing syndrome. Last evaluated: 2025-11-17. Review status: criteria provided, single submitter. Criteria: Ambry Variant Classification Scheme 2023. Collection method: clinical testing. Allele origin: germline.
Comment: The p.D990G variant (also known as c.2969A>G), located in coding exon 15 of the APC gene, results from an A to G substitution at nucleotide position 2969. The aspartic acid at codon 990 is replaced by glycine, an amino acid with similar properties. This amino acid position is highly conserved in available vertebrate species. In addition, in silico predictors for this gene do not accurately predict pathogenicity. Missense variants in APC are not a common cause of disease (Spier I et al. Genet Med. 2024 Feb;26(2):100992). Based on the available evidence, the clinical significance of this variant remains unclear.

Color Diagnostics, LLC DBA Color Health
Classification: Uncertain significance for Hereditary cancer-predisposing syndrome. Last evaluated: 2023-12-07. Review status: criteria provided, single submitter. Criteria: ACMG Guidelines, 2015. Collection method: clinical testing. Allele origin: germline.
Comment: This missense variant replaces aspartic acid with glycine at codon 990 of the APC protein. Computational prediction suggests that this variant may not impact protein structure and function (internally defined REVEL score threshold <= 0.5, PMID: 27666373). To our knowledge, functional studies have not been reported for this variant. This variant has not been reported in individuals affected with APC-related disorders in the literature. This variant has not been identified in the general population by the Genome Aggregation Database (gnomAD). The available evidence is insufficient to determine the role of this variant in disease conclusively. Therefore, this variant is classified as a Variant of Uncertain Significance.

Labcorp Genetics (formerly Invitae), Labcorp
Classification: Uncertain significance for Familial adenomatous polyposis 1. Last evaluated: 2022-03-05. Review status: criteria provided, single submitter. Criteria: Invitae Variant Classification Sherloc (09022015). Collection method: clinical testing. Allele origin: germline.
Comment: In summary, the available evidence is currently insufficient to determine the role of this variant in disease. Therefore, it has been classified as a Variant of Uncertain Significance. Algorithms developed to predict the effect of sequence changes on RNA splicing suggest that this variant may create or strengthen a splice site. This variant has not been reported in the literature in individuals affected with APC-related conditions. Algorithms developed to predict the effect of missense changes on protein structure and function are either unavailable or do not agree on the potential impact of this missense change (SIFT: "Deleterious"; PolyPhen-2: "Benign"; Align-GVGD: "Class C65"). ClinVar contains an entry for this variant (Variation ID: 659822). This variant is not present in population databases (gnomAD no frequency). This sequence change replaces aspartic acid, which is acidic and polar, with glycine, which is neutral and non-polar, at codon 990 of the APC protein (p.Asp990Gly).

NM_000038.6(APC):c.2969A>G (p.Asp990Gly)

Gene: APC (APC regulator of Wnt signaling pathway; plus strand). Cytogenetic location: 5q22.2.
Variant type: single nucleotide variant.
Coding change: c.2969A>G on transcript NM_000038.6 (MANE Select); coding-DNA position 2969, A replaced by G.
Protein change: p.Asp990Gly; replaces aspartic acid 990 with glycine.
Molecular consequence: missense variant.
Genome position (GRCh38, 1-based): chr5:112,838,563, A>G. VCF-style: chr5-112838563-A-G. GRCh37 (hg19) VCF-style: chr5-112174260-A-G.
Other names: c.2969A>G, p.Asp990Gly (NM_001127510.3, NM_001354895.2); c.2915A>G, p.Asp972Gly (NM_001127511.3); c.3023A>G, p.Asp1008Gly (NM_001354896.2); c.2999A>G, p.Asp1000Gly (NM_001354897.2); c.2894A>G, p.Asp965Gly (NM_001354898.2); c.2885A>G, p.Asp962Gly (NM_001354899.2); c.2846A>G, p.Asp949Gly (NM_001354900.2); c.2792A>G, p.Asp931Gly (NM_001354901.2); and 5 more; short protein forms D1008G, D889G, D899G, D931G, D965G, D962G, D990G, D1000G.
Identifiers: ClinVar variation 659822 (VCV000659822.13), dbSNP rs1580629403, ClinGen allele CA16027820.